The following is an entry in ClinVar:

ClinVar aggregate classification (germline): Uncertain significance (1 of 4 stars; one submission).

Submission:

CeGaT Center for Human Genetics Tuebingen
Classification: Uncertain significance. Last evaluated: 2022-05-01. Review status: criteria provided, single submitter. Criteria: CeGaT Center For Human Genetics Tuebingen Variant Classification Criteria Version 2. Collection method: clinical testing. Allele origin: germline. Affected: yes. Observed: 1 variant allele.
Comment: CCDC88C: PM2, BP4

NM_001080414.4(CCDC88C):c.3784A>C (p.Asn1262His)

Gene: CCDC88C (coiled-coil and HOOK domain protein 88C; minus strand). Cytogenetic location: 14q32.11.
Variant type: single nucleotide variant.
Coding change: c.3784A>C on transcript NM_001080414.4 (MANE Select); coding-DNA position 3784, A replaced by C.
Protein change: p.Asn1262His; replaces asparagine 1262 with histidine.
Molecular consequence: missense variant.
Genome position (GRCh38, 1-based): chr14:91,297,487, T>G on the plus strand (A>C on the coding strand, the complement: CCDC88C is on the minus strand). VCF-style: chr14-91297487-T-G. GRCh37 (hg19) VCF-style: chr14-91763831-T-G.
Other names: short protein forms N1262H.
Identifiers: ClinVar variation 2644455 (VCV002644455.24), dbSNP rs1891061360, ClinGen allele CA390618819.